The following is an entry in ClinVar:

NM_000179.3(MSH6):c.3646+5_3646+8del

Gene: MSH6 (mutS homolog 6; plus strand). Cytogenetic location: 2p16.3.
Variant type: Deletion.
Coding change: c.3646+5_3646+8del on transcript NM_000179.3 (MANE Select); bases 5 to 8 of the intron after coding-DNA position 3646, 4 bases deleted (GACA; older notation c.3646+5_3646+8delGACA).
Molecular consequence: intron variant.
Genome position (GRCh38, 1-based): chr2:47,805,712-47,805,715, GACA deleted; deleting any 4 consecutive bases within chr2:47,805,711-47,805,715 gives the same sequence; the c. name uses the placement nearest the transcript's 3' end. VCF-style (leftmost placement, unchanged base first): chr2-47805710-AAGAC-A. GRCh37 (hg19) VCF-style: chr2-48032849-AAGAC-A.
Other names: c.3646+5_3646+8del (NM_001406809.1, NM_001406796.1, NM_001406808.1 and 1 more transcripts); c.2740+5_2740+8del (NM_001406811.1, NM_001406814.1, NM_001281493.2 and 6 more transcripts); c.3349+5_3349+8del (NM_001406805.1, NM_001406797.1, NM_001406801.1 and 10 more transcripts); c.3742+5_3742+8del (NM_001406795.1, NM_001406802.1); c.3652+5_3652+8del (NM_001406813.1); c.3121+5_3121+8del (NM_001406807.1, NM_001406799.1, NM_001406806.1); c.3472+5_3472+8del (NM_001406798.1); c.2782+5_2782+8del (NM_001406803.1); and 7 more.
Identifiers: ClinVar variation 3398960 (VCV003398960.1).

ClinVar aggregate classification (germline): Uncertain significance (1 of 4 stars; one submission).

Conditions:
Hereditary cancer-predisposing syndrome. Also called: Hereditary Cancer Syndrome; Tumor predisposition; Hereditary neoplastic syndrome; Neoplastic Syndromes, Hereditary. Identifiers: Orphanet 140162, MedGen C0027672, MeSH D009386, MONDO:0015356.

Submission:

Ambry Genetics
Classification: Uncertain significance for Hereditary cancer-predisposing syndrome. Last evaluated: 2024-12-03. Review status: criteria provided, single submitter. Criteria: Ambry Variant Classification Scheme 2023. Collection method: clinical testing. Allele origin: germline.
Comment: The c.3646+5_3646+8delGACA intronic variant begins 5 nucleotides after coding exon 7 in the MSH6 gene. This variant results from a deletion of 4 nucleotides at positions c.3646+5 to 3646+8. This nucleotide region is not well conserved in available vertebrate species. In silico splice site analysis predicts that this alteration will not have any significant effect on splicing. Based on the available evidence, the clinical significance of this variant remains unclear.